The following is an entry in ClinVar:

NM_001999.4(FBN2):c.4902C>T (p.Pro1634=)

Gene: FBN2 (fibrillin 2; minus strand). Cytogenetic location: 5q23.3.
Variant type: single nucleotide variant.
Coding change: c.4902C>T on transcript NM_001999.4 (MANE Select); coding-DNA position 4902, C replaced by T.
Protein change: p.Pro1634=; no amino-acid change (proline 1634 retained).
Molecular consequence: synonymous variant.
Genome position (GRCh38, 1-based): chr5:128,311,931, G>A on the plus strand (C>T on the coding strand, the complement: FBN2 is on the minus strand). VCF-style: chr5-128311931-G-A. GRCh37 (hg19) VCF-style: chr5-127647623-G-A.
Identifiers: ClinVar variation 213235 (VCV000213235.28), dbSNP rs201071253, ClinGen allele CA323891.

ClinVar aggregate classification (germline): Benign/Likely benign. Review status: criteria provided, multiple submitters, no conflicts (2 of 4 stars). 6 submissions from 6 submitters: Benign (1); Likely benign (5). Last evaluated 2026-04-01.

Conditions:
Familial thoracic aortic aneurysm and aortic dissection (TAAD). Also called: Thoracic aortic aneurysms and dissections. Identifiers: Orphanet 91387, MedGen C4707243, MONDO:0019625.
Congenital contractural arachnodactyly (CCA). Also called: BEALS SYNDROME; Beals-Hecht syndrome; Arthrogryposis, distal, type 9. Identifiers: Orphanet 115, MedGen C0220668, MONDO:0007363, OMIM 121050.

Allele frequency attached by ClinVar (database versions not stated): gnomAD 0.00013; TOPMed 0.00014; ExAC 0.00015; ESP Exome Variant Server 0.00015.
gnomAD v4.1: 201 of 1,611,324 alleles (0.012%); highest among the groups gnomAD compares: Middle Eastern, 0.066%; no homozygotes.

Submissions (6):

CeGaT Center for Human Genetics Tuebingen
Classification: Likely benign. Last evaluated: 2026-04-01. Review status: criteria provided, single submitter. Criteria: CeGaT Center For Human Genetics Tuebingen Variant Classification Criteria Version 2. Collection method: clinical testing. Allele origin: germline. Affected: yes. Observed: 1 variant allele.
Comment: FBN2: BP4, BP7

Labcorp Genetics (formerly Invitae), Labcorp
Classification: Likely benign for Congenital contractural arachnodactyly. Last evaluated: 2025-09-22. Review status: criteria provided, single submitter. Criteria: Invitae Variant Classification Sherloc (09022015). Collection method: clinical testing. Allele origin: germline.

Illumina Laboratory Services, Illumina
Classification: Likely benign for Congenital contractural arachnodactyly. Last evaluated: 2018-01-13. Review status: criteria provided, single submitter. Criteria: ICSL Variant Classification Criteria 13 December 2019. Collection method: clinical testing. Allele origin: germline.
Comment: This variant was observed in the ICSL laboratory as part of a predisposition screen in an ostensibly healthy population. It had not been previously curated by ICSL or reported in the Human Gene Mutation Database (HGMD: prior to June 1st, 2018), and was therefore a candidate for classification through an automated scoring system. Utilizing variant allele frequency, disease prevalence and penetrance estimates, and inheritance mode, an automated score was calculated to assess if this variant is too frequent to cause the disease. Based on the score and internal cut-off values, a variant classified as likely benign is not then subjected to further curation. The score for this variant resulted in a classification of likely benign for this disease.

ARUP Laboratories, Molecular Genetics and Genomics, ARUP Laboratories
Classification: Likely benign. Last evaluated: 2017-07-30. Review status: criteria provided, single submitter. Criteria: ARUP Molecular Germline Variant Investigation Process. Collection method: clinical testing. Allele origin: germline.

Ambry Genetics
Classification: Likely benign for Familial thoracic aortic aneurysm and aortic dissection. Last evaluated: 2015-09-17. Review status: criteria provided, single submitter. Criteria: Ambry Variant Classification Scheme 2023. Collection method: clinical testing. Allele origin: germline.

GeneDx
Classification: Benign. Last evaluated: 2015-01-08. Review status: criteria provided, single submitter. Criteria: GeneDx Variant Classification (06012015). Collection method: clinical testing. Allele origin: germline. Affected: yes.
Comment: This variant is considered likely benign or benign based on one or more of the following criteria: it is a conservative change, it occurs at a poorly conserved position in the protein, it is predicted to be benign by multiple in silico algorithms, and/or has population frequency not consistent with disease.